The following is an entry in ClinVar:

ClinVar aggregate classification (germline): Uncertain significance (1 of 4 stars; one submission).

Conditions:
Hypertrophic cardiomyopathy. Also called: HYPERTROPHIC MYOCARDIOPATHY. Identifiers: Orphanet 217569, MedGen C0007194, MeSH D002312, MONDO:0005045, HP:0001639.

Submission:

Labcorp Genetics (formerly Invitae), Labcorp
Classification: Uncertain significance for Hypertrophic cardiomyopathy. Last evaluated: 2022-12-23. Review status: criteria provided, single submitter. Criteria: Invitae Variant Classification Sherloc (09022015). Collection method: clinical testing. Allele origin: germline.
Comment: In summary, the available evidence is currently insufficient to determine the role of this variant in disease. Therefore, it has been classified as a Variant of Uncertain Significance. Experimental studies and prediction algorithms are not available or were not evaluated, and the functional significance of this variant is currently unknown. This variant has not been reported in the literature in individuals affected with MYL3-related conditions. This variant is not present in population databases (gnomAD no frequency). This sequence change results in a frameshift in the MYL3 gene (p.Lys190Cysfs*81). While this is not anticipated to result in nonsense mediated decay, it is expected to disrupt the last 6 amino acid(s) of the MYL3 protein and extend the protein by 74 additional amino acid residues.

NM_000258.3(MYL3):c.563_566dup (p.Lys190fs)

Gene: MYL3 (myosin light chain 3; minus strand). Cytogenetic location: 3p21.31.
Variant type: Duplication.
Coding change: c.563_566dup on transcript NM_000258.3 (MANE Select); coding-DNA positions 563 to 566, 4 bases duplicated (TTGT; older notation c.563_566dupTTGT).
Protein change: p.Lys190fs; shifts the reading frame from lysine 190.
Molecular consequence: frameshift variant.
Genome position (GRCh38, 1-based): chr3:46,858,266-46,858,269, ACAA duplicated on the plus strand (TTGT on the coding strand, the reverse complement: MYL3 is on the minus strand); duplicating any 4 consecutive bases within chr3:46,858,266-46,858,270 gives the same sequence; the c. name uses the placement nearest the transcript's 3' end. VCF-style (leftmost placement, unchanged base first): chr3-46858265-C-CACAA. GRCh37 (hg19) VCF-style: chr3-46899755-C-CACAA.
Other names: c.563_566dup, p.Lys190fs (NM_001406937.1, NM_001406938.1, NM_001406939.1); c.389_392dup, p.Lys132fs (NM_001406940.1); c.374_377dup, p.Lys127fs (NM_001406941.1); short protein forms K132fs, K190fs, K127fs.
Identifiers: ClinVar variation 2823484 (VCV002823484.3), dbSNP rs2544962739, ClinGen allele CA2739278952.